The following is an entry in ClinVar:

ClinVar aggregate classification (germline): Uncertain significance (1 of 4 stars; one submission).

Allele frequency attached by ClinVar (database versions not stated): ExAC 0.00006; gnomAD exomes 0.00007.
gnomAD v4.1: 35 of 765,310 alleles (0.0046%); highest among the groups gnomAD compares: Admixed American, 0.019%; no homozygotes.

Submission:

Labcorp Genetics (formerly Invitae), Labcorp
Classification: Uncertain significance. Last evaluated: 2022-08-13. Review status: criteria provided, single submitter. Criteria: Invitae Variant Classification Sherloc (09022015). Collection method: clinical testing. Allele origin: germline.
Comment: In summary, the available evidence is currently insufficient to determine the role of this variant in disease. Therefore, it has been classified as a Variant of Uncertain Significance. Experimental studies and prediction algorithms are not available or were not evaluated, and the functional significance of this variant is currently unknown. ClinVar contains an entry for this variant (Variation ID: 1485418). This variant has not been reported in the literature in individuals affected with SNORD118-related conditions. This variant is present in population databases (rs747896326, gnomAD 0.03%). This variant occurs in the SNORD118 gene, which encodes an RNA molecule that does not result in a protein product.

NR_033294.2(SNORD118):n.77A>G

Genes: SNORD118 (small nucleolar RNA, C/D box 118; minus strand), TMEM107 (transmembrane protein 107; minus strand). Cytogenetic location: 17p13.1.
Variant type: single nucleotide variant.
Molecular consequence: non-coding transcript variant (on NR_033294.2). On other transcripts: 3 prime UTR variant (5).
Genome position: GRCh38 VCF-style: chr17-8173512-T-C. GRCh37 (hg19) VCF-style: chr17-8076830-T-C.
Other names: c.*691A>G (NM_001351278.2, NM_001351279.2, NM_001351280.2 and 2 more transcripts).
Identifiers: ClinVar variation 1485418 (VCV001485418.4), dbSNP rs747896326, ClinGen allele CA8370673.